The following is an entry in ClinVar:

ClinVar aggregate classification (germline): Pathogenic/Likely pathogenic. Review status: criteria provided, multiple submitters, no conflicts (2 of 4 stars). 3 submissions from 3 submitters: Pathogenic (2); Likely pathogenic (1). Last evaluated 2024-04-24.

Conditions:
PEX6-related disorder. Also called: PEX6-related disorders; PEX6-related condition.
Heimler syndrome 2 (HMLR2). Also called: PEROXISOME BIOGENESIS DISORDER 4C. Identifiers: Orphanet 3220, MedGen C4225267, OMIM 616617, MONDO:0014709.
Peroxisome biogenesis disorder. Identifiers: Orphanet 79189, MedGen C1832200, MONDO:0019234. Disease mechanism: loss of function.

Submissions (3):

Myriad Genetics, Inc.
Classification: Pathogenic for Peroxisome biogenesis disorder. Last evaluated: 2024-04-24. Review status: criteria provided, single submitter. Criteria: Myriad Autosomal Dominant, Autosomal Recessive and X-Linked Classification Criteria (2023). Collection method: clinical testing. Allele origin: unknown.
Comment: NM_000287.3(PEX6):c.921_927del7ins3(S308Lfs*42) is expected to be pathogenic in the context of peroxisome biogenesis disorder type 4. This variant is predicted to lead to an abnormal or absent protein product due to the creation of a premature termination codon in PEX6, a gene where loss-of-function variants are known to be pathogenic. Please note: this variant was assessed in the context of healthy population screening.

Blueprint Genetics
Classification: Likely pathogenic for PEX6-related disorders. Last evaluated: 2023-06-29. Review status: criteria provided, single submitter. Criteria: ACMG Guidelines, 2015. Collection method: clinical testing. Allele origin: germline. Affected: yes. Observed: 1 variant allele.

Baylor Genetics
Classification: Pathogenic for Heimler syndrome 2. Last evaluated: 2021-12-29. Review status: criteria provided, single submitter. Criteria: ACMG Guidelines, 2015. Collection method: clinical testing. Allele origin: unknown.

NM_000287.4(PEX6):c.921_927delinsTCT (p.Ser308fs)

Gene: PEX6 (peroxisomal biogenesis factor 6; minus strand). Cytogenetic location: 6p21.1.
Variant type: Indel.
Coding change: c.921_927delinsTCT on transcript NM_000287.4 (MANE Select); coding-DNA positions 921 to 927, AAGCTGC replaced by TCT.
Protein change: p.Ser308fs; shifts the reading frame from serine 308.
Molecular consequence: frameshift variant. On other transcripts: non-coding transcript variant (1).
Genome position (GRCh38, 1-based): chr6:42,974,994-42,975,000, GCAGCTT replaced by AGA on the plus strand (AAGCTGC replaced by TCT on the coding strand, the reverse complement: PEX6 is on the minus strand). VCF-style: chr6-42974994-GCAGCTT-AGA. GRCh37 (hg19) VCF-style: chr6-42942732-GCAGCTT-AGA.
Other names: c.657_663delinsTCT, p.Ser220fs (NM_001316313.2); short protein forms S220fs, S308fs.
Identifiers: ClinVar variation 2677722 (VCV002677722.3), dbSNP rs2481258611, ClinGen allele CA2695198835.
Genomic context (GRCh38, chr6:42,974,994, plus strand): 5'-GGGAGAAGACACAATTTCGATGTGTAACTCTCTGGCAAATGGAGGCCCAGGCAGCAATGA[GCAGCTT>AGA]CCTTTGTCTTCAGGGGCGATGGAGCCTTCCAAGTACCTCTATTAGAGAAATAACCACCAC-3'